The following is an entry in ClinVar:

NM_000051.4(ATM):c.2062G>T (p.Glu688Ter)

Gene: ATM (ATM serine/threonine kinase; plus strand). Cytogenetic location: 11q22.3.
Variant type: single nucleotide variant.
Coding change: c.2062G>T on transcript NM_000051.4 (MANE Select); coding-DNA position 2062, G replaced by T.
Protein change: p.Glu688Ter; replaces glutamic acid 688 with a stop codon.
Molecular consequence: nonsense.
Genome position (GRCh38, 1-based): chr11:108,253,977, G>T. VCF-style: chr11-108253977-G-T. GRCh37 (hg19) VCF-style: chr11-108124704-G-T.
Other names: c.2062G>T, p.Glu688Ter (NM_001351834.2); c.2062G>T (NM_000051.3); short protein forms E688*.
Identifiers: ClinVar variation 1428919 (VCV001428919.9), dbSNP rs769338089, ClinGen allele CA382537490.
Genomic context (GRCh38, chr11:108,253,977, plus strand): 5'-GAATGTGGTATAGAAAAGCACCAGTCCAGTATTGGCTTCTCTGTCCACCAGAATCTCAAG[G>T]AATCACTGGATCGCTGTCTTCTGGGATTATCAGAACAGCTTCTGAATAATTACTCATCTG-3'

ClinVar aggregate classification (germline): Pathogenic/Likely pathogenic. Review status: criteria provided, multiple submitters, no conflicts (2 of 4 stars). 4 submissions from 4 submitters: Pathogenic (3); Likely pathogenic (1). Last evaluated 2025-12-29.

Conditions:
Hereditary cancer-predisposing syndrome. Also called: Neoplastic Syndromes, Hereditary; Tumor predisposition; Hereditary Cancer Syndrome; Hereditary neoplastic syndrome. Identifiers: Orphanet 140162, MedGen C0027672, MeSH D009386, MONDO:0015356.
Familial cancer of breast. Also called: BREAST CANCER, FAMILIAL; Hereditary breast cancer; hereditary breast carcinoma. Identifiers: Orphanet 227535, MedGen C0346153, MONDO:0016419, OMIM 114480. Disease mechanism: loss of function.
Ataxia-telangiectasia syndrome (AT). Also called: AT, COMPLEMENTATION GROUP C; ATAXIA-TELANGIECTASIA, COMPLEMENTATION GROUP A; ATAXIA-TELANGIECTASIA, FRESNO VARIANT; Ataxia-telangiectasia; Ataxia-telangiectasia, complementation group D; Ataxia-telangiectasia, complementation group E. Identifiers: Orphanet 100, MedGen C0004135, MONDO:0008840, OMIM 208900.

Submissions (4):

Ambry Genetics
Classification: Pathogenic for Hereditary cancer-predisposing syndrome. Last evaluated: 2025-12-29. Review status: criteria provided, single submitter. Criteria: Ambry Variant Classification Scheme 2023. Collection method: clinical testing. Allele origin: germline.
Comment: The p.E688* pathogenic mutation (also known as c.2062G>T), located in coding exon 12 of the ATM gene, results from a G to T substitution at nucleotide position 2062. This changes the amino acid from a glutamic acid to a stop codon within coding exon 12. This alteration is expected to result in loss of function by premature protein truncation or nonsense-mediated mRNA decay. As such, this alteration is interpreted as a disease-causing mutation.

Labcorp Genetics (formerly Invitae), Labcorp
Classification: Pathogenic for Ataxia-telangiectasia syndrome. Last evaluated: 2025-02-18. Review status: criteria provided, single submitter. Criteria: Invitae Variant Classification Sherloc (09022015). Collection method: clinical testing. Allele origin: germline.
Comment: This sequence change creates a premature translational stop signal (p.Glu688*) in the ATM gene. It is expected to result in an absent or disrupted protein product. Loss-of-function variants in ATM are known to be pathogenic (PMID: 23807571, 25614872). This variant is not present in population databases (gnomAD no frequency). This premature translational stop signal has been observed in individual(s) with breast cancer (PMID: 32427313). ClinVar contains an entry for this variant (Variation ID: 1428919). For these reasons, this variant has been classified as Pathogenic.

Myriad Genetics, Inc.
Classification: Pathogenic for Familial cancer of breast. Last evaluated: 2024-01-17. Review status: criteria provided, single submitter. Criteria: Myriad Autosomal Dominant, Autosomal Recessive and X-Linked Classification Criteria (2023). Collection method: clinical testing. Allele origin: unknown.
Comment: This variant is considered pathogenic. This variant creates a termination codon and is predicted to result in premature protein truncation.

Baylor Genetics
Classification: Likely pathogenic for Familial cancer of breast. Last evaluated: 2021-09-22. Review status: criteria provided, single submitter. Criteria: ACMG Guidelines, 2015. Collection method: clinical testing. Allele origin: unknown.

Literature cited by the submitters: PubMed 23807571 (cited by Labcorp Genetics (formerly Invitae), Labcorp); PubMed 25614872 (cited by Labcorp Genetics (formerly Invitae), Labcorp); PubMed 32427313 (cited by Labcorp Genetics (formerly Invitae), Labcorp).